The following is an entry in ClinVar:

NM_000435.3(NOTCH3):c.5008G>A (p.Glu1670Lys)

Gene: NOTCH3 (notch receptor 3; minus strand). Cytogenetic location: 19p13.12.
Variant type: single nucleotide variant.
Coding change: c.5008G>A on transcript NM_000435.3 (MANE Select); coding-DNA position 5008, G replaced by A.
Protein change: p.Glu1670Lys; replaces glutamic acid 1670 with lysine.
Molecular consequence: missense variant.
Genome position (GRCh38, 1-based): chr19:15,170,437, C>T on the plus strand (G>A on the coding strand, the complement: NOTCH3 is on the minus strand). VCF-style: chr19-15170437-C-T. GRCh37 (hg19) VCF-style: chr19-15281248-C-T.
Other names: short protein forms E1670K.
Identifiers: ClinVar variation 4847415 (VCV004847415.1).

ClinVar aggregate classification (germline): Uncertain significance (1 of 4 stars; one submission).

gnomAD v4.1: 12 of 1,611,554 alleles (0.00074%); highest among the groups gnomAD compares: East Asian, 0.0045%; no homozygotes.

Submission:

Women's Health and Genetics/Laboratory Corporation of America, LabCorp
Classification: Uncertain significance. Last evaluated: 2026-03-06. Review status: criteria provided, single submitter. Criteria: LabCorp Variant Classification Summary - May 2015. Collection method: clinical testing. Allele origin: germline.
Comment: Variant summary: NOTCH3 c.5008G>A (p.Glu1670Lys) results in a conservative amino acid change in the encoded protein sequence. Algorithms developed to predict the effect of missense changes on protein structure and function are either unavailable or do not agree on the potential impact of this missense change. The variant allele was found at a frequency of 8.1e-06 in 247248 control chromosomes. The available data on variant occurrences in the general population are insufficient to allow any conclusion about variant significance. To our knowledge, no occurrence of c.5008G>A in individuals affected with NOTCH3-related conditions and no experimental evidence demonstrating its impact on protein function have been reported. No submitters have cited clinical-significance assessments for this variant to ClinVar. Based on the evidence outlined above, the variant was classified as uncertain significance.